The following is an entry in ClinVar:

ClinVar aggregate classification (germline): Conflicting classifications of pathogenicity. Review status: criteria provided, conflicting classifications (1 of 4 stars). 6 submissions from 6 submitters: Uncertain significance (1); Likely benign (3). 2 of the submissions do not count toward it. Last evaluated 2024-06-13.

Conditions:
BCKDHA-related disorder. Also called: BCKDHA-related condition.
Maple syrup urine disease type 1A (MSUD1A). Also called: MSUD type 1A. Identifiers: MedGen C1855369, MONDO:0023691, OMIM 248600.
Maple syrup urine disease (MSUD). Identifiers: Orphanet 511, MedGen C0024776, MeSH D008375, MONDO:0009563. Disease mechanism: loss of function.

Allele frequency attached by ClinVar (database versions not stated): gnomAD 0.00003 and 0.00004; TOPMed 0.00004; ExAC 0.00005; ESP Exome Variant Server 0.00008.
gnomAD v4.1: 115 of 1,582,048 alleles (0.0073%); highest among the groups gnomAD compares: Non-Finnish European, 0.0095%; no homozygotes.

Submissions (6):

Labcorp Genetics (formerly Invitae), Labcorp
Classification: Likely benign for Maple syrup urine disease. Last evaluated: 2024-06-13. Review status: criteria provided, single submitter. Criteria: Invitae Variant Classification Sherloc (09022015). Collection method: clinical testing. Allele origin: germline.

Genome-Nilou Lab
Classification: Likely benign for Maple syrup urine disease type 1A. Last evaluated: 2021-11-07. Review status: criteria provided, single submitter. Criteria: ACMG Guidelines, 2015. Collection method: clinical testing. Allele origin: germline. Affected: no.

GeneDx
Classification: Likely benign. Last evaluated: 2016-08-18. Review status: criteria provided, single submitter. Criteria: GeneDx Variant Classification (06012015). Collection method: clinical testing. Allele origin: germline. Affected: yes.
Comment: This variant is considered likely benign or benign based on one or more of the following criteria: it is a conservative change, it occurs at a poorly conserved position in the protein, it is predicted to be benign by multiple in silico algorithms, and/or has population frequency not consistent with disease.

Eurofins Ntd Llc (ga)
Classification: Uncertain significance. Last evaluated: 2015-03-10. Review status: criteria provided, single submitter. Criteria: EGL Classification Definitions 2015. Collection method: clinical testing. Allele origin: germline. Observed: 1 variant allele, 1 heterozygote.

PreventionGenetics, part of Exact Sciences
Classification: Likely benign for BCKDHA-related condition. Last evaluated: 2024-05-17. Review status: no assertion criteria provided. Collection method: clinical testing. Allele origin: germline. Not counted in ClinVar's aggregate classification.
Comment: This variant is classified as likely benign based on ACMG/AMP sequence variant interpretation guidelines (Richards et al. 2015 PMID: 25741868, with internal and published modifications).

Natera, Inc.
Classification: Likely benign for Maple syrup urine disease type 1A. Last evaluated: 2020-03-13. Review status: no assertion criteria provided. Collection method: clinical testing. Allele origin: germline. Not counted in ClinVar's aggregate classification.

NM_000709.4(BCKDHA):c.1080C>T (p.Pro360=)

Gene: BCKDHA (branched chain keto acid dehydrogenase E1 subunit alpha; plus strand). Cytogenetic location: 19q13.2.
Variant type: single nucleotide variant.
Coding change: c.1080C>T on transcript NM_000709.4 (MANE Select); coding-DNA position 1080, C replaced by T.
Protein change: p.Pro360=; no amino-acid change (proline 360 retained).
Molecular consequence: synonymous variant.
Genome position (GRCh38, 1-based): chr19:41,423,082, C>T. VCF-style: chr19-41423082-C-T. GRCh37 (hg19) VCF-style: chr19-41928987-C-T.
Other names: c.1077C>T, p.Pro359= (NM_001164783.2).
Identifiers: ClinVar variation 198748 (VCV000198748.18), dbSNP rs373390136, ClinGen allele CA247553.
Genomic context (GRCh38, chr19:41,423,082, plus strand): 5'-CGACAGTTCAGCGTACCGCTCGGTGGATGAGGTCAATTACTGGGATAAACAGGACCACCC[C>T]ATCTCCCGGCTGCGGCACTATCTGCTGAGCCAAGGCTGGTGGGATGAGGAGCAGGAGAAG-3'
Protein context (NP_000700.1, residues 350-370): EVNYWDKQDH[Pro360=]ISRLRHYLLS